The following is an entry in ClinVar:

ClinVar aggregate classification (germline): Uncertain significance (1 of 4 stars; one submission).

Submission:

Labcorp Genetics (formerly Invitae), Labcorp
Classification: Uncertain significance. Last evaluated: 2025-08-03. Review status: criteria provided, single submitter. Criteria: Invitae Variant Classification Sherloc (09022015). Collection method: clinical testing. Allele origin: germline.
Comment: This sequence change replaces glutamine, which is neutral and polar, with arginine, which is basic and polar, at codon 1424 of the MTOR protein (p.Gln1424Arg). This variant is not present in population databases (gnomAD no frequency). This variant has not been reported in the literature in individuals affected with MTOR-related conditions. Invitae Evidence Modeling of protein sequence and biophysical properties (such as structural, functional, and spatial information, amino acid conservation, physicochemical variation, residue mobility, and thermodynamic stability) indicates that this missense variant is not expected to disrupt MTOR protein function with a negative predictive value of 95%. In summary, the available evidence is currently insufficient to determine the role of this variant in disease. Therefore, it has been classified as a Variant of Uncertain Significance.

NM_004958.4(MTOR):c.4271A>G (p.Gln1424Arg)

Gene: MTOR (mechanistic target of rapamycin kinase; minus strand). Cytogenetic location: 1p36.22.
Variant type: single nucleotide variant.
Coding change: c.4271A>G on transcript NM_004958.4 (MANE Select); coding-DNA position 4271, A replaced by G.
Protein change: p.Gln1424Arg; replaces glutamine 1424 with arginine.
Molecular consequence: missense variant.
Genome position (GRCh38, 1-based): chr1:11,167,500, T>C on the plus strand (A>G on the coding strand, the complement: MTOR is on the minus strand). VCF-style: chr1-11167500-T-C. GRCh37 (hg19) VCF-style: chr1-11227557-T-C.
Other names: c.4271A>G, p.Gln1424Arg (NM_001386500.1); c.3023A>G, p.Gln1008Arg (NM_001386501.1); short protein forms Q1008R, Q1424R.
Identifiers: ClinVar variation 4799833 (VCV004799833.1).